The following is an entry in ClinVar:

NM_133642.5(LARGE1):c.1503G>C (p.Leu501=)

Gene: LARGE1 (LARGE xylosyl- and glucuronyltransferase 1; minus strand). Cytogenetic location: 22q12.3.
Variant type: single nucleotide variant.
Coding change: c.1503G>C on transcript NM_133642.5 (MANE Select); coding-DNA position 1503, G replaced by C.
Protein change: p.Leu501=; no amino-acid change (leucine 501 retained).
Molecular consequence: synonymous variant.
Genome position (GRCh38, 1-based): chr22:33,304,456, C>G on the plus strand (G>C on the coding strand, the complement: LARGE1 is on the minus strand). VCF-style: chr22-33304456-C-G. GRCh37 (hg19) VCF-style: chr22-33700442-C-G.
Other names: c.1503G>C (NM_004737.5); c.1503G>C, p.Leu501= (NM_001362949.2, NM_001362951.2, NM_001362953.2 and 6 more transcripts); c.1347G>C, p.Leu449= (NM_001378629.1); c.900G>C, p.Leu300= (NM_001378630.1); c.744G>C, p.Leu248= (NM_001378631.1).
Identifiers: ClinVar variation 2739210 (VCV002739210.5), dbSNP rs1323217190, ClinGen allele CA514477854.

ClinVar aggregate classification (germline): Likely benign. Review status: criteria provided, single submitter (1 of 4 stars). 2 submissions from 2 submitters: Likely benign (1). 1 of the submissions does not count toward it. Last evaluated 2023-09-10.

Conditions:
LARGE1-related disorder. Also called: LARGE1-related condition.
Muscular dystrophy-dystroglycanopathy type B6 (MDDGB6). Also called: MUSCULAR DYSTROPHY-DYSTROGLYCANOPATHY (CONGENITAL WITH IMPAIRED INTELLECTUAL DEVELOPMENT), TYPE B, 6; MUSCULAR DYSTROPHY, CONGENITAL, LARGE-RELATED; MUSCULAR DYSTROPHY, CONGENITAL, TYPE 1D. Identifiers: MedGen C1837229, MONDO:0012138, OMIM 608840.

Allele frequency attached by ClinVar (database versions not stated): gnomAD exomes 0.00001.
gnomAD v4.1: 5 of 1,613,218 alleles (0.00031%); highest among the groups gnomAD compares: Non-Finnish European, 0.00042%; no homozygotes.

Submissions (2):

Labcorp Genetics (formerly Invitae), Labcorp
Classification: Likely benign for Muscular dystrophy-dystroglycanopathy type B6. Last evaluated: 2023-09-10. Review status: criteria provided, single submitter. Criteria: Invitae Variant Classification Sherloc (09022015). Collection method: clinical testing. Allele origin: germline.

PreventionGenetics, part of Exact Sciences
Classification: Likely benign for LARGE1-related condition. Last evaluated: 2023-07-13. Review status: no assertion criteria provided. Collection method: clinical testing. Allele origin: germline. Not counted in ClinVar's aggregate classification.
Comment: This variant is classified as likely benign based on ACMG/AMP sequence variant interpretation guidelines (Richards et al. 2015 PMID: 25741868, with internal and published modifications).